The following is an entry in ClinVar:

ClinVar aggregate classification (germline): Uncertain significance. Review status: criteria provided, single submitter (1 of 4 stars). 2 submissions from 2 submitters: Uncertain significance (1). 1 of the submissions does not count toward it. Last evaluated 2025-09-24.

Allele frequency attached by ClinVar (database versions not stated): TOPMed 0.00006.

Submissions (2):

Labcorp Genetics (formerly Invitae), Labcorp
Classification: Uncertain significance. Last evaluated: 2025-09-24. Review status: criteria provided, single submitter. Criteria: Invitae Variant Classification Sherloc (09022015). Collection method: clinical testing. Allele origin: germline.
Comment: This sequence change replaces leucine, which is neutral and non-polar, with methionine, which is neutral and non-polar, at codon 773 of the LRRC8A protein (p.Leu773Met). This variant is present in population databases (rs531989271, gnomAD 0.1%), and has an allele count higher than expected for a pathogenic variant. This variant has not been reported in the literature in individuals affected with LRRC8A-related conditions. ClinVar contains an entry for this variant (Variation ID: 1049587). An algorithm developed to predict the effect of missense changes on protein structure and function (PolyPhen-2) suggests that this variant is likely to be disruptive. In summary, the available evidence is currently insufficient to determine the role of this variant in disease. Therefore, it has been classified as a Variant of Uncertain Significance.

Department of Pathology and Laboratory Medicine, Sinai Health System
Classification: Likely benign. Review status: no assertion criteria provided. Collection method: clinical testing. Allele origin: unknown. Affected: yes. Study: The Canadian Open Genetics Repository (COGR). Not counted in ClinVar's aggregate classification.
Comment: The LRRC8A p.Leu773Met variant was not identified in the literature nor was it identified in ClinVar, Cosmic or LOVD 3.0. The variant was identified in dbSNP (ID: rs531989271) and in control databases in 28 of 281766 chromosomes at a frequency of 0.000099 (Genome Aggregation Database Feb 27, 2017). The variant was observed in the East Asian population in 28 of 19918 chromosomes (freq: 0.001406), it was not observed in the African, Latino, Ashkenazi Jewish, European (Finnish), European (non-Finnish), Other, and South Asian populations. The p.Leu773 residue is conserved across mammals and other organisms however four out of five computational analyses (PolyPhen-2, SIFT, AlignGVGD, BLOSUM, MutationTaster) do not suggest a high likelihood of impact to the protein; this information is not predictive enough to rule out pathogenicity. The variant occurs outside of the splicing consensus sequence and in silico or computational prediction software programs (SpliceSiteFinder, MaxEntScan, NNSPLICE, GeneSplicer) do not predict a difference in splicing. In summary, based on the above information the clinical significance of this variant cannot be determined with certainty at this time although we would lean towards a more benign role for this variant. This variant is classified as likely benign.

NM_019594.4(LRRC8A):c.2317C>A (p.Leu773Met)

Gene: LRRC8A (leucine rich repeat containing 8 VRAC subunit A; plus strand). Cytogenetic location: 9q34.11.
Variant type: single nucleotide variant.
Coding change: c.2317C>A on transcript NM_019594.4 (MANE Select); coding-DNA position 2317, C replaced by A.
Protein change: p.Leu773Met; replaces leucine 773 with methionine.
Molecular consequence: missense variant.
Genome position (GRCh38, 1-based): chr9:128,916,255, C>A. VCF-style: chr9-128916255-C-A. GRCh37 (hg19) VCF-style: chr9-131678534-C-A.
Other names: c.2317C>A, p.Leu773Met (NM_001127244.2, NM_001127245.2); short protein forms L773M.
Identifiers: ClinVar variation 1049587 (VCV001049587.7), dbSNP rs531989271, ClinGen allele CA5271065.
Genomic context (GRCh38, chr9:128,916,255, plus strand): 5'-CTGACCAACCTGACGCAGATCGAGCTGCGGGGCAACCGGCTGGAGTGCCTGCCTGTGGAG[C>A]TGGGCGAGTGCCCACTGCTCAAGCGCAGCGGCTTGGTGGTGGAGGAGGACCTGTTCAACA-3'
Protein context (NP_062540.2, residues 763-783): GNRLECLPVE[Leu773Met]GECPLLKRSG